The following is an entry in ClinVar:

NM_001374736.1(DST):c.2157A>G (p.Ser719=)

Gene: DST (dystonin; minus strand). Cytogenetic location: 6p12.1.
Variant type: single nucleotide variant.
Coding change: c.2157A>G on transcript NM_001374736.1 (MANE Select); coding-DNA position 2157, A replaced by G.
Protein change: p.Ser719=; no amino-acid change (serine 719 retained).
Molecular consequence: synonymous variant.
Genome position (GRCh38, 1-based): chr6:56,640,476, T>C on the plus strand (A>G on the coding strand, the complement: DST is on the minus strand). VCF-style: chr6-56640476-T-C. GRCh37 (hg19) VCF-style: chr6-56505274-T-C.
Other names: c.2058A>G, p.Ser686= (NM_001144769.5); c.1644A>G, p.Ser548= (NM_001144770.2); c.2157A>G, p.Ser719= (NM_001374722.1); c.1524A>G, p.Ser508= (NM_001374729.1, NM_001374730.1, NM_001386100.1 and 1 more transcripts); c.2184A>G, p.Ser728= (NM_001374734.1); c.546A>G, p.Ser182= (NM_001723.7, NM_015548.5).
Identifiers: ClinVar variation 702109 (VCV000702109.13), dbSNP rs145351947, ClinGen allele CA3871471.
Genomic context (GRCh38, chr6:56,640,476, plus strand): 5'-AGGTGTTAAACTCTGGGTCAGCCCTGAGGTCAGACTAGGGTGTAAGGTCTGTGCAAATCC[T>C]GAGTTTAAACTTTGAGTGATTCCTGATATCATGAGCTTTGTCTGTTCTGTTGTCAGTATG-3'
Protein context (NP_001361665.1, residues 709-729): MISGITQSLN[Ser719=]GFAQTLHPSL

ClinVar aggregate classification (germline): Likely benign. Review status: criteria provided, single submitter (1 of 4 stars). 2 submissions from 2 submitters: Likely benign (1). 1 of the submissions does not count toward it. Last evaluated 2024-05-21.

Conditions:
DST-related disorder. Also called: DST-related condition; DST-related disorders.
Epidermolysis bullosa simplex 3, localized or generalized intermediate, with BP230 deficiency (EBS3). Also called: Epidermolysis bullosa simplex, autosomal recessive 2; Epidermolysis bullosa simplex due to BP230 deficiency. Identifiers: Orphanet 412181, MedGen C3809470, MONDO:0014180, OMIM 615425.
Hereditary sensory and autonomic neuropathy type 6. Also called: HSAN VI; Neuropathy, hereditary sensory and autonomic, type VI. Identifiers: Orphanet 314381, MedGen C3539003, MONDO:0013839, OMIM 614653.

Allele frequency attached by ClinVar (database versions not stated): gnomAD exomes 0.00005 and 0.00010; ExAC 0.00017; gnomAD 0.00046 and 0.00049; ESP Exome Variant Server 0.00054; 1000 Genomes Project 0.00060; TOPMed 0.00060; 1000 Genomes Project 30x 0.00078.
gnomAD v4.1: 144 of 1,614,220 alleles (0.0089%); highest among the groups gnomAD compares: African/African-American, 0.17%; no homozygotes.

Submissions (2):

Labcorp Genetics (formerly Invitae), Labcorp
Classification: Likely benign for Epidermolysis bullosa simplex 3, localized or generalized intermediate, with BP230 deficiency; Hereditary sensory and autonomic neuropathy type 6. Last evaluated: 2024-05-21. Review status: criteria provided, single submitter. Criteria: Invitae Variant Classification Sherloc (09022015). Collection method: clinical testing. Allele origin: germline.

PreventionGenetics, part of Exact Sciences
Classification: Likely benign for DST-related condition. Last evaluated: 2022-09-19. Review status: no assertion criteria provided. Collection method: clinical testing. Allele origin: germline. Not counted in ClinVar's aggregate classification.
Comment: This variant is classified as likely benign based on ACMG/AMP sequence variant interpretation guidelines (Richards et al. 2015 PMID: 25741868, with internal and published modifications).